The following is an entry in ClinVar:

NM_001365536.1(SCN9A):c.4492C>A (p.Pro1498Thr)

Genes: SCN1A-AS1 (SCN1A and SCN9A antisense RNA 1; plus strand), SCN9A (sodium voltage-gated channel alpha subunit 9; minus strand). Cytogenetic location: 2q24.3.
Variant type: single nucleotide variant.
Coding change: c.4492C>A on transcript NM_001365536.1 (MANE Select); coding-DNA position 4492, C replaced by A.
Protein change: p.Pro1498Thr; replaces proline 1498 with threonine.
Molecular consequence: missense variant.
Genome position (GRCh38, 1-based): chr2:166,204,371, G>T on the plus strand (C>A on the coding strand, the complement: SCN9A is on the minus strand). VCF-style: chr2-166204371-G-T. GRCh37 (hg19) VCF-style: chr2-167060881-G-T.
Other names: c.4459C>A, p.Pro1487Thr (NM_002977.4); short protein forms P1487T, P1498T.
Identifiers: ClinVar variation 3750011 (VCV003750011.2).

ClinVar aggregate classification (germline): Uncertain significance (1 of 4 stars; one submission).

Conditions:
Neuropathy, hereditary sensory and autonomic, type 2A (HSAN2A). Also called: MORVAN DISEASE; NEUROPATHY, CONGENITAL SENSORY; NEUROPATHY, HEREDITARY SENSORY RADICULAR, AUTOSOMAL RECESSIVE; NEUROPATHY, HEREDITARY SENSORY, TYPE IIA; NEUROPATHY, PROGRESSIVE SENSORY, OF CHILDREN; ACROOSTEOLYSIS, GIACCAI TYPE. Identifiers: Orphanet 970, MedGen C2752089, MONDO:0024309, OMIM 201300.
Generalized epilepsy with febrile seizures plus, type 7 (GEFSP7). Also called: GEFS+, TYPE 7. Identifiers: Orphanet 36387, MedGen C2751778, MONDO:0013470, OMIM 613863.

Submission:

Labcorp Genetics (formerly Invitae), Labcorp
Classification: Uncertain significance for Neuropathy, hereditary sensory and autonomic, type 2A; Generalized epilepsy with febrile seizures plus, type 7. Last evaluated: 2024-07-30. Review status: criteria provided, single submitter. Criteria: Invitae Variant Classification Sherloc (09022015). Collection method: clinical testing. Allele origin: germline.
Comment: This sequence change replaces proline, which is neutral and non-polar, with threonine, which is neutral and polar, at codon 1487 of the SCN9A protein (p.Pro1487Thr). This variant is not present in population databases (gnomAD no frequency). This variant has not been reported in the literature in individuals affected with SCN9A-related conditions. Advanced modeling of protein sequence and biophysical properties (such as structural, functional, and spatial information, amino acid conservation, physicochemical variation, residue mobility, and thermodynamic stability) has been performed at Invitae for this missense variant, however the output from this modeling did not meet the statistical confidence thresholds required to predict the impact of this variant on SCN9A protein function. In summary, the available evidence is currently insufficient to determine the role of this variant in disease. Therefore, it has been classified as a Variant of Uncertain Significance.